The following is an entry in ClinVar:

NM_001164665.2(KIAA1549):c.2899C>G (p.Gln967Glu)

Gene: KIAA1549 (KIAA1549; minus strand). Cytogenetic location: 7q34.
Variant type: single nucleotide variant.
Coding change: c.2899C>G on transcript NM_001164665.2 (MANE Select); coding-DNA position 2899, C replaced by G.
Protein change: p.Gln967Glu; replaces glutamine 967 with glutamic acid.
Molecular consequence: missense variant.
Genome position (GRCh38, 1-based): chr7:138,912,440, G>C on the plus strand (C>G on the coding strand, the complement: KIAA1549 is on the minus strand). VCF-style: chr7-138912440-G-C. GRCh37 (hg19) VCF-style: chr7-138597186-G-C.
Other names: c.2899C>G, p.Gln967Glu (NM_020910.3); c.2899C>G (NM_001164665.1); short protein forms Q967E.
Identifiers: ClinVar variation 1947008 (VCV001947008.6), dbSNP rs530424114, ClinGen allele CA4506367.
Genomic context (GRCh38, chr7:138,912,440, plus strand): 5'-CCACTGCACGGTTGAAGTGAATCCTCAGTACTTCTTTGATTGCTGTAATGATGTACTCCT[G>C]CACAGCTCTTCTGGCCAGCACTGCAAATGAAAGCAAACCACCAAATGCCTTTTCATGTCA-3'
Protein context (NP_001158137.1, residues 957-977): ITTVLARRAV[Gln967Glu]EYIITAIKEV

ClinVar aggregate classification (germline): Uncertain significance. Review status: criteria provided, multiple submitters, no conflicts (2 of 4 stars). 2 submissions from 2 submitters: Uncertain significance (2). Last evaluated 2024-08-01.

Conditions:
Inborn genetic diseases. Identifiers: MedGen C0950123, MeSH D030342.

Allele frequency attached by ClinVar (database versions not stated): gnomAD 0.00001; gnomAD exomes 0.00001; TOPMed 0.00002; ExAC 0.00004; 1000 Genomes Project 30x 0.00016; 1000 Genomes Project 0.00020.
gnomAD v4.1: 12 of 1,613,670 alleles (0.00074%); highest among the groups gnomAD compares: East Asian, 0.027%; no homozygotes.

Submissions (2):

Ambry Genetics
Classification: Uncertain significance for Inborn genetic diseases. Last evaluated: 2024-08-01. Review status: criteria provided, single submitter. Criteria: Ambry Variant Classification Scheme 2023. Collection method: clinical testing. Allele origin: germline.

Labcorp Genetics (formerly Invitae), Labcorp
Classification: Uncertain significance. Last evaluated: 2022-08-23. Review status: criteria provided, single submitter. Criteria: Invitae Variant Classification Sherloc (09022015). Collection method: clinical testing. Allele origin: germline.
Comment: In summary, the available evidence is currently insufficient to determine the role of this variant in disease. Therefore, it has been classified as a Variant of Uncertain Significance. Algorithms developed to predict the effect of missense changes on protein structure and function (SIFT, PolyPhen-2, Align-GVGD) all suggest that this variant is likely to be tolerated. This variant has not been reported in the literature in individuals affected with KIAA1549-related conditions. This variant is present in population databases (rs530424114, gnomAD 0.06%). This sequence change replaces glutamine, which is neutral and polar, with glutamic acid, which is acidic and polar, at codon 967 of the KIAA1549 protein (p.Gln967Glu).